The following is an entry in ClinVar:

NM_001371727.1(GABRB2):c.316A>C (p.Thr106Pro)

Gene: GABRB2 (gamma-aminobutyric acid type A receptor subunit beta2; minus strand). Cytogenetic location: 5q34.
Variant type: single nucleotide variant.
Coding change: c.316A>C on transcript NM_001371727.1 (MANE Select); coding-DNA position 316, A replaced by C.
Protein change: p.Thr106Pro; replaces threonine 106 with proline.
Molecular consequence: missense variant.
Genome position (GRCh38, 1-based): chr5:161,459,766, T>G on the plus strand (A>C on the coding strand, the complement: GABRB2 is on the minus strand). VCF-style: chr5-161459766-T-G. GRCh37 (hg19) VCF-style: chr5-160886772-T-G.
Other names: c.316A>C, p.Thr106Pro (NM_000813.3, NM_021911.3); short protein forms T106P.
Identifiers: ClinVar variation 2703056 (VCV002703056.3), dbSNP rs2480000121, ClinGen allele CA362174010.

ClinVar aggregate classification (germline): Uncertain significance (1 of 4 stars; one submission).

Conditions:
Intellectual disability. Also called: Intellectual functioning disability; intellectual disabilities; Intellectual developmental disorder. Identifiers: MedGen C3714756, MeSH D008607, MONDO:0001071, HP:0001249.

Submission:

Labcorp Genetics (formerly Invitae), Labcorp
Classification: Uncertain significance for Intellectual disability. Last evaluated: 2023-12-14. Review status: criteria provided, single submitter. Criteria: Invitae Variant Classification Sherloc (09022015). Collection method: clinical testing. Allele origin: germline.
Comment: This sequence change replaces threonine, which is neutral and polar, with proline, which is neutral and non-polar, at codon 106 of the GABRB2 protein (p.Thr106Pro). This variant is not present in population databases (gnomAD no frequency). This variant has not been reported in the literature in individuals affected with GABRB2-related conditions. Advanced modeling of protein sequence and biophysical properties (such as structural, functional, and spatial information, amino acid conservation, physicochemical variation, residue mobility, and thermodynamic stability) has been performed at Invitae for this missense variant, however the output from this modeling did not meet the statistical confidence thresholds required to predict the impact of this variant on GABRB2 protein function. In summary, the available evidence is currently insufficient to determine the role of this variant in disease. Therefore, it has been classified as a Variant of Uncertain Significance.